The following is an entry in ClinVar:

NM_000093.5(COL5A1):c.5137-12C>T

Genes: COL5A1 (collagen type V alpha 1 chain; plus strand), LOC101448202 (uncharacterized LOC101448202; minus strand). Cytogenetic location: 9q34.3.
Variant type: single nucleotide variant.
Coding change: c.5137-12C>T on transcript NM_000093.5 (MANE Select); 12 bases into the intron before coding-DNA position 5137, C replaced by T.
Molecular consequence: intron variant.
Genome position (GRCh38, 1-based): chr9:134,834,959, C>T. VCF-style: chr9-134834959-C-T. GRCh37 (hg19) VCF-style: chr9-137726805-C-T.
Other names: p.?; c.5137-12C>T (NM_001278074.1).
Identifiers: ClinVar variation 136909 (VCV000136909.59), dbSNP rs191758714, ClinGen allele CA290309.

ClinVar aggregate classification (germline): Benign/Likely benign. Review status: criteria provided, multiple submitters, no conflicts (2 of 4 stars). 12 submissions from 11 submitters: Benign (9); Likely benign (2). 1 of the submissions does not count toward it. Last evaluated 2026-09-01.

Conditions:
Ehlers-Danlos syndrome, classic type, 1 (EDSCL1). Also called: EHLERS-DANLOS SYNDROME, GRAVIS TYPE; EHLERS-DANLOS SYNDROME, SEVERE CLASSIC TYPE; EDS I; Ehlers-Danlos syndrome, type 1; Ehlers-Danlos Syndrome, Classic Type, COL5A1-Related. Identifiers: MedGen C0268335, MONDO:0019567, OMIM 130000.
Fibromuscular dysplasia, multifocal. Identifiers: MedGen C5543412, MONDO:0859151, OMIM 619329.
Connective tissue disorder. Also called: Connective tissue disease. Identifiers: MedGen C0009782, MONDO:0003900.
COL5A1-related disorder. Also called: COL5A1-related condition.

Allele frequency attached by ClinVar (database versions not stated): 1000 Genomes Project 30x 0.00219; 1000 Genomes Project 0.00260; TOPMed 0.00422; gnomAD 0.00488 and 0.00493; ESP Exome Variant Server 0.00507; gnomAD exomes 0.00564 and 0.00732; ExAC 0.00747.
gnomAD v4.1: 11,288 of 1,602,152 alleles (0.7%); highest among the groups gnomAD compares: South Asian, 1.2%; 63 homozygotes.

Submissions (12):

CeGaT Center for Human Genetics Tuebingen
Classification: Benign. Last evaluated: 2026-09-01. Review status: criteria provided, single submitter. Criteria: CeGaT Center For Human Genetics Tuebingen Variant Classification Criteria Version 2. Collection method: clinical testing. Allele origin: germline. Affected: yes. Observed: 35 variant alleles.
Comment: COL5A1: BS1, BS2

Labcorp Genetics (formerly Invitae), Labcorp
Classification: Benign for Ehlers-Danlos syndrome, classic type, 1. Last evaluated: 2026-02-04. Review status: criteria provided, single submitter. Criteria: Invitae Variant Classification Sherloc (09022015). Collection method: clinical testing. Allele origin: germline.

ARUP Laboratories, Molecular Genetics and Genomics, ARUP Laboratories
Classification: Benign. Last evaluated: 2025-03-27. Review status: criteria provided, single submitter. Criteria: ARUP Molecular Germline Variant Investigation Process 2024. Collection method: clinical testing. Allele origin: germline.

Blueprint Genetics
Classification: Likely benign. Last evaluated: 2024-11-27. Review status: criteria provided, single submitter. Criteria: ACMG Guidelines, 2015. Collection method: clinical testing. Allele origin: germline.

Women's Health and Genetics/Laboratory Corporation of America, LabCorp
Classification: Benign. Last evaluated: 2023-07-21. Review status: criteria provided, single submitter. Criteria: LabCorp Variant Classification Summary - May 2015. Collection method: clinical testing. Allele origin: germline.

Mayo Clinic Laboratories, Mayo Clinic
Classification: Benign. Last evaluated: 2022-06-21. Review status: criteria provided, single submitter. Criteria: ACMG Guidelines, 2015. Collection method: clinical testing. Allele origin: germline. Observed: 84 variant alleles.
Comment: BS1, BS2, BP4, BP7

Genome-Nilou Lab
Classification: Benign for Ehlers-Danlos syndrome, classic type, 1. Last evaluated: 2022-03-15. Review status: criteria provided, single submitter. Criteria: ACMG Guidelines, 2015. Collection method: clinical testing. Allele origin: germline. Affected: no.

Genome-Nilou Lab
Classification: Benign for Fibromuscular dysplasia, multifocal. Last evaluated: 2022-03-15. Review status: criteria provided, single submitter. Criteria: ACMG Guidelines, 2015. Collection method: clinical testing. Allele origin: germline. Affected: no.

Fulgent Genetics
Classification: Benign for Ehlers-Danlos syndrome, classic type, 1; Fibromuscular dysplasia, multifocal. Last evaluated: 2021-08-13. Review status: criteria provided, single submitter. Criteria: ACMG Guidelines, 2015. Collection method: clinical testing. Allele origin: unknown.

Center for Human Genetics, Inc
Classification: Likely benign for Connective tissue disorder. Last evaluated: 2016-11-01. Review status: criteria provided, single submitter. Criteria: ACMG Guidelines, 2015. Collection method: clinical testing. Allele origin: germline. Affected: yes.

GeneDx
Classification: Benign. Last evaluated: 2013-02-28. Review status: criteria provided, single submitter. Criteria: GeneDx Variant Classification (06012015). Collection method: clinical testing. Allele origin: germline. Affected: yes.
Comment: This variant is considered likely benign or benign based on one or more of the following criteria: it is a conservative change, it occurs at a poorly conserved position in the protein, it is predicted to be benign by multiple in silico algorithms, and/or has population frequency not consistent with disease.

PreventionGenetics, part of Exact Sciences
Classification: Benign for COL5A1-related condition. Last evaluated: 2021-05-21. Review status: no assertion criteria provided. Collection method: clinical testing. Allele origin: germline. Not counted in ClinVar's aggregate classification.
Comment: This variant is classified as benign based on ACMG/AMP sequence variant interpretation guidelines (Richards et al. 2015 PMID: 25741868, with internal and published modifications).